The following is an entry in ClinVar:

NM_014727.3(KMT2B):c.1255C>T (p.Pro419Ser)

Gene: KMT2B (lysine methyltransferase 2B; plus strand). Cytogenetic location: 19q13.12.
Variant type: single nucleotide variant.
Coding change: c.1255C>T on transcript NM_014727.3 (MANE Select); coding-DNA position 1255, C replaced by T.
Protein change: p.Pro419Ser; replaces proline 419 with serine.
Molecular consequence: missense variant.
Genome position (GRCh38, 1-based): chr19:35,720,602, C>T. VCF-style: chr19-35720602-C-T. GRCh37 (hg19) VCF-style: chr19-36211504-C-T.
Other names: short protein forms P419S.
Identifiers: ClinVar variation 2571886 (VCV002571886.1), dbSNP rs1021454739, ClinGen allele CA307782812.
Genomic context (GRCh38, chr19:35,720,602, plus strand): 5'-GCAAAGCTGCCACCACCGCCTCTGACTCCTCCAGCCCCTTCACCTCCTCCACCCCTCCCA[C>T]CCCCTTCGACATCTCCTCCACCCCCACTCTGCCCTCCACCACCACCCCCAGTGTCCCCAC-3'
Protein context (NP_055542.1, residues 409-429): PAPSPPPPLP[Pro419Ser]PSTSPPPPLC

ClinVar aggregate classification (germline): Uncertain significance (1 of 4 stars; one submission).

Allele frequency attached by ClinVar (database versions not stated): gnomAD exomes below 0.00001; TOPMed below 0.00001; gnomAD 0.00001.

Submission:

GeneDx
Classification: Uncertain significance. Last evaluated: 2023-01-06. Review status: criteria provided, single submitter. Criteria: GeneDx Variant Classification Process June 2021. Collection method: clinical testing. Allele origin: germline. Affected: yes.
Comment: In silico analysis supports that this missense variant does not alter protein structure/function; Has not been previously published as pathogenic or benign to our knowledge